The following is an entry in ClinVar:

NM_002500.5(NEUROD1):c.183C>A (p.Asp61Glu)

Gene: NEUROD1 (neuronal differentiation 1; minus strand). Cytogenetic location: 2q31.3.
Variant type: single nucleotide variant.
Coding change: c.183C>A on transcript NM_002500.5 (MANE Select); coding-DNA position 183, C replaced by A.
Protein change: p.Asp61Glu; replaces aspartic acid 61 with glutamic acid.
Molecular consequence: missense variant.
Genome position (GRCh38, 1-based): chr2:181,678,678, G>T on the plus strand (C>A on the coding strand, the complement: NEUROD1 is on the minus strand). VCF-style: chr2-181678678-G-T. GRCh37 (hg19) VCF-style: chr2-182543405-G-T.
Other names: short protein forms D61E.
Identifiers: ClinVar variation 1395838 (VCV001395838.6), dbSNP rs1688638868, ClinGen allele CA349787078.
Genomic context (GRCh38, chr2:181,678,678, plus strand): 5'-GGGCTTTTGATCGTCATCCTCCTCTTCCTCTTCTTCCTCCTCTTCCAGGTCCTCATCTTC[G>T]TCCTCCTCCTCTCCCCCGTTCCTCAGTGAGTCCTCCTCTGCGTTCATGGTTTCGAGGTCG-3'
Protein context (NP_002491.3, residues 51-71): DSLRNGGEEE[Asp61Glu]EDEDLEEEEE

ClinVar aggregate classification (germline): Uncertain significance (1 of 4 stars; one submission).

gnomAD v4.1: 1 of 1,611,318 alleles (0.000062%); highest among the groups gnomAD compares: Non-Finnish European, 0.000085%; no homozygotes.

Submission:

Labcorp Genetics (formerly Invitae), Labcorp
Classification: Uncertain significance. Last evaluated: 2023-12-12. Review status: criteria provided, single submitter. Criteria: Invitae Variant Classification Sherloc (09022015). Collection method: clinical testing. Allele origin: germline.
Comment: This sequence change replaces aspartic acid, which is acidic and polar, with glutamic acid, which is acidic and polar, at codon 61 of the NEUROD1 protein (p.Asp61Glu). This variant is not present in population databases (gnomAD no frequency). This variant has not been reported in the literature in individuals affected with NEUROD1-related conditions. ClinVar contains an entry for this variant (Variation ID: 1395838). Advanced modeling of protein sequence and biophysical properties (such as structural, functional, and spatial information, amino acid conservation, physicochemical variation, residue mobility, and thermodynamic stability) performed at Invitae indicates that this missense variant is not expected to disrupt NEUROD1 protein function with a negative predictive value of 80%. In summary, the available evidence is currently insufficient to determine the role of this variant in disease. Therefore, it has been classified as a Variant of Uncertain Significance.